The following is an entry in ClinVar:

ClinVar aggregate classification (germline): Uncertain significance (1 of 4 stars; one submission).

Conditions:
Hereditary hyperekplexia. Identifiers: Orphanet 3197, MedGen C4084968, MONDO:0021022.

Submission:

Labcorp Genetics (formerly Invitae), Labcorp
Classification: Uncertain significance for Hereditary hyperekplexia. Last evaluated: 2023-05-16. Review status: criteria provided, single submitter. Criteria: Invitae Variant Classification Sherloc (09022015). Collection method: clinical testing. Allele origin: germline.
Comment: Advanced modeling of protein sequence and biophysical properties (such as structural, functional, and spatial information, amino acid conservation, physicochemical variation, residue mobility, and thermodynamic stability) performed at Invitae indicates that this missense variant is expected to disrupt GLRA1 protein function. This variant has not been reported in the literature in individuals affected with GLRA1-related conditions. This variant is not present in population databases (gnomAD no frequency). This sequence change replaces alanine, which is neutral and non-polar, with aspartic acid, which is acidic and polar, at codon 276 of the GLRA1 protein (p.Ala276Asp). In summary, the available evidence is currently insufficient to determine the role of this variant in disease. Therefore, it has been classified as a Variant of Uncertain Significance.

NM_000171.4(GLRA1):c.827C>A (p.Ala276Asp)

Gene: GLRA1 (glycine receptor alpha 1; minus strand). Cytogenetic location: 5q33.1.
Variant type: single nucleotide variant.
Coding change: c.827C>A on transcript NM_000171.4 (MANE Select); coding-DNA position 827, C replaced by A.
Protein change: p.Ala276Asp; replaces alanine 276 with aspartic acid.
Molecular consequence: missense variant.
Genome position (GRCh38, 1-based): chr5:151,851,475, G>T on the plus strand (C>A on the coding strand, the complement: GLRA1 is on the minus strand). VCF-style: chr5-151851475-G-T. GRCh37 (hg19) VCF-style: chr5-151231036-G-T.
Other names: c.827C>A, p.Ala276Asp (NM_001146040.2); c.578C>A, p.Ala193Asp (NM_001292000.2); short protein forms A276D, A193D.
Identifiers: ClinVar variation 2864957 (VCV002864957.3), dbSNP rs2479969537, ClinGen allele CA361837629.